The following is an entry in ClinVar:

ClinVar aggregate classification (germline): Pathogenic (1 of 4 stars; one submission).

Conditions:
Mucopolysaccharidosis, MPS-IV-A (MPS4A). Also called: Mucopolysaccharidosis type IV A; Mucopolysaccharidosis Type IVA; Morquio syndrome A, mild; MORQUIO SYNDROME A; MPS IVA; mucopolysaccharidosis type 4A. Identifiers: Orphanet 309297, Orphanet 582, MedGen C0086651, MONDO:0009659, OMIM 253000.

Allele frequency attached by ClinVar (database versions not stated): gnomAD exomes below 0.00001.
gnomAD v4.1: 1 of 1,613,782 alleles (0.000062%); highest among the groups gnomAD compares: Admixed American, 0.0017%; no homozygotes.

Submission:

Laboratory of Diagnosis and Therapy of Lysosomal Disorders, University of Padova
Classification: Pathogenic for Mucopolysaccharidosis, MPS-IV-A. Last evaluated: 2021-02-01. Review status: criteria provided, single submitter. Criteria: ACMG Guidelines, 2015. Collection method: curation. Allele origin: germline. Affected: yes.
Comment: Nonsense variant (PVS1_very strong); in vivo functional studies supportive of a damaging effect on the gene product (low to null enzymatic activity in homozygotes; PS3_supporting); absent from gnomAD v2.1.1 (PM2_moderate)

Literature cited by the submitters: PubMed 20574428; PubMed 29731656; PubMed 30094185; PubMed 34387910.

NM_000512.5(GALNS):c.974G>A (p.Trp325Ter)

Gene: GALNS (galactosamine (N-acetyl)-6-sulfatase; minus strand). Cytogenetic location: 16q24.3.
Variant type: single nucleotide variant.
Coding change: c.974G>A on transcript NM_000512.5 (MANE Select); coding-DNA position 974, G replaced by A.
Protein change: p.Trp325Ter; replaces tryptophan 325 with a stop codon.
Molecular consequence: nonsense.
Genome position (GRCh38, 1-based): chr16:88,832,026, C>T on the plus strand (G>A on the coding strand, the complement: GALNS is on the minus strand). VCF-style: chr16-88832026-C-T. GRCh37 (hg19) VCF-style: chr16-88898434-C-T.
Other names: c.419G>A, p.Trp140Ter (NM_001323543.2); c.992G>A, p.Trp331Ter (NM_001323544.2); short protein forms W140*, W325*, W331*.
Identifiers: ClinVar variation 1048316 (VCV001048316.3), dbSNP rs2142999142, ClinGen allele CA397101107.